The following is an entry in ClinVar:

ClinVar aggregate classification (germline): Likely pathogenic (1 of 4 stars; one submission).

Submission:

Labcorp Genetics (formerly Invitae), Labcorp
Classification: Likely pathogenic. Last evaluated: 2023-12-07. Review status: criteria provided, single submitter. Criteria: Invitae Variant Classification Sherloc (09022015). Collection method: clinical testing. Allele origin: germline.
Comment: This sequence change affects a splice site in intron 6 of the GPSM2 gene. It is expected to disrupt RNA splicing. Variants that disrupt the donor or acceptor splice site typically lead to a loss of protein function (PMID: 16199547), and loss-of-function variants in GPSM2 are known to be pathogenic (PMID: 22578326, 22987632). This variant is not present in population databases (gnomAD no frequency). This variant has not been reported in the literature in individuals affected with GPSM2-related conditions. Algorithms developed to predict the effect of sequence changes on RNA splicing suggest that this variant may disrupt the consensus splice site. In summary, the currently available evidence indicates that the variant is pathogenic, but additional data are needed to prove that conclusively. Therefore, this variant has been classified as Likely Pathogenic.

Literature cited by the submitters: PubMed 16199547; PubMed 22578326; PubMed 22987632.

NM_013296.5(GPSM2):c.681+2del

Gene: GPSM2 (G protein signaling modulator 2; plus strand). Cytogenetic location: 1p13.3.
Variant type: Deletion.
Coding change: c.681+2del on transcript NM_013296.5 (MANE Select); the canonical splice donor site of the intron after coding-DNA position 681, one base deleted (T; older notation c.681+2delT).
Molecular consequence: splice donor variant.
Genome position (GRCh38, 1-based): chr1:108,898,767, T deleted. VCF-style (leftmost placement, unchanged base first): chr1-108898766-GT-G. GRCh37 (hg19) VCF-style: chr1-109441388-GT-G.
Other names: c.681+2del (NM_001321038.2, NM_001321039.3).
Identifiers: ClinVar variation 2758643 (VCV002758643.3), dbSNP rs2524902421, ClinGen allele CA2574059312.